The following is an entry in ClinVar:

ClinVar aggregate classification (germline): Uncertain significance (1 of 4 stars; one submission).

Conditions:
Hypertrophic cardiomyopathy 26. Also called: Cardiomyopathy, familial hypertrophic, 26. Identifiers: Orphanet 75249, MedGen C4310749, MONDO:0014883, OMIM 617047.
Myofibrillar myopathy 5. Also called: Filaminopathy (type); FILAMINOPATHY, AUTOSOMAL DOMINANT. Identifiers: Orphanet 171445, MedGen C1836050, MONDO:0012289, OMIM 609524.
Distal myopathy with posterior leg and anterior hand involvement. Also called: WILLIAMS DISTAL MYOPATHY. Identifiers: Orphanet 63273, MedGen C3279722, MONDO:0013550, OMIM 614065.

Submission:

Labcorp Genetics (formerly Invitae), Labcorp
Classification: Uncertain significance for Distal myopathy with posterior leg and anterior hand involvement; Myofibrillar myopathy 5; Hypertrophic cardiomyopathy 26. Last evaluated: 2024-08-13. Review status: criteria provided, single submitter. Criteria: Invitae Variant Classification Sherloc (09022015). Collection method: clinical testing. Allele origin: germline.
Comment: This sequence change replaces methionine, which is neutral and non-polar, with isoleucine, which is neutral and non-polar, at codon 1804 of the FLNC protein (p.Met1804Ile). This variant is not present in population databases (gnomAD no frequency). This variant has not been reported in the literature in individuals affected with FLNC-related conditions. Advanced modeling of protein sequence and biophysical properties (such as structural, functional, and spatial information, amino acid conservation, physicochemical variation, residue mobility, and thermodynamic stability) has been performed at Invitae for this missense variant, however the output from this modeling did not meet the statistical confidence thresholds required to predict the impact of this variant on FLNC protein function. In summary, the available evidence is currently insufficient to determine the role of this variant in disease. Therefore, it has been classified as a Variant of Uncertain Significance.

NM_001458.5(FLNC):c.5412G>C (p.Met1804Ile)

Genes: FLNC-AS1 (FLNC antisense RNA 1; minus strand), FLNC (filamin C; plus strand). Cytogenetic location: 7q32.1.
Variant type: single nucleotide variant.
Coding change: c.5412G>C on transcript NM_001458.5 (MANE Select); coding-DNA position 5412, G replaced by C.
Protein change: p.Met1804Ile; replaces methionine 1804 with isoleucine.
Molecular consequence: missense variant.
Genome position (GRCh38, 1-based): chr7:128,850,816, G>C. VCF-style: chr7-128850816-G-C. GRCh37 (hg19) VCF-style: chr7-128490870-G-C.
Other names: c.5313G>C, p.Met1771Ile (NM_001127487.2); short protein forms M1804I, M1771I.
Identifiers: ClinVar variation 2936805 (VCV002936805.3), dbSNP rs564010656, ClinGen allele CA369206596.